The following is an entry in ClinVar:

ClinVar aggregate classification (germline): Uncertain significance. Review status: criteria provided, multiple submitters, no conflicts (2 of 4 stars). 4 submissions from 4 submitters: Uncertain significance (4). Last evaluated 2025-08-21.

Conditions:
Progressive external ophthalmoplegia with mitochondrial DNA deletions, autosomal dominant 2. Also called: PROGRESSIVE EXTERNAL OPHTHALMOPLEGIA, AUTOSOMAL DOMINANT 2. Identifiers: MedGen C1836460, MONDO:0012238, OMIM 609283.
Inborn genetic diseases. Identifiers: MedGen C0950123, MeSH D030342.

Allele frequency attached by ClinVar (database versions not stated): TOPMed below 0.00001; gnomAD exomes 0.00001; ExAC 0.00002.
gnomAD v4.1: 18 of 1,614,220 alleles (0.0011%); highest among the groups gnomAD compares: Non-Finnish European, 0.0013%; no homozygotes.

Submissions (4):

Ambry Genetics
Classification: Uncertain significance for Inborn genetic diseases. Last evaluated: 2025-08-21. Review status: criteria provided, single submitter. Criteria: Ambry Variant Classification Scheme 2023. Collection method: clinical testing. Allele origin: germline.

Labcorp Genetics (formerly Invitae), Labcorp
Classification: Uncertain significance. Last evaluated: 2024-07-19. Review status: criteria provided, single submitter. Criteria: Invitae Variant Classification Sherloc (09022015). Collection method: clinical testing. Allele origin: germline.
Comment: This sequence change replaces glutamic acid, which is acidic and polar, with lysine, which is basic and polar, at codon 265 of the SLC25A4 protein (p.Glu265Lys). This variant is present in population databases (rs772055424, gnomAD 0.003%). This variant has not been reported in the literature in individuals affected with SLC25A4-related conditions. ClinVar contains an entry for this variant (Variation ID: 348248). Advanced modeling of protein sequence and biophysical properties (such as structural, functional, and spatial information, amino acid conservation, physicochemical variation, residue mobility, and thermodynamic stability) has been performed at Invitae for this missense variant, however the output from this modeling did not meet the statistical confidence thresholds required to predict the impact of this variant on SLC25A4 protein function. In summary, the available evidence is currently insufficient to determine the role of this variant in disease. Therefore, it has been classified as a Variant of Uncertain Significance.

GeneDx
Classification: Uncertain significance. Last evaluated: 2024-02-29. Review status: criteria provided, single submitter. Criteria: GeneDx Variant Classification Process June 2021. Collection method: clinical testing. Allele origin: germline. Affected: yes.
Comment: Not observed at significant frequency in large population cohorts (gnomAD); In silico analysis supports that this missense variant has a deleterious effect on protein structure/function; Has not been previously published as pathogenic or benign to our knowledge

Illumina Laboratory Services, Illumina
Classification: Uncertain significance for Progressive external ophthalmoplegia with mitochondrial DNA deletions, autosomal dominant 2. Last evaluated: 2018-01-13. Review status: criteria provided, single submitter. Criteria: ICSL Variant Classification Criteria 13 December 2019. Collection method: clinical testing. Allele origin: germline.

NM_001151.4(SLC25A4):c.793G>A (p.Glu265Lys)

Gene: SLC25A4 (solute carrier family 25 member 4; plus strand). Cytogenetic location: 4q35.1.
Variant type: single nucleotide variant.
Coding change: c.793G>A on transcript NM_001151.4 (MANE Select); coding-DNA position 793, G replaced by A.
Protein change: p.Glu265Lys; replaces glutamic acid 265 with lysine.
Molecular consequence: missense variant.
Genome position (GRCh38, 1-based): chr4:185,146,867, G>A. VCF-style: chr4-185146867-G-A. GRCh37 (hg19) VCF-style: chr4-186068021-G-A.
Other names: short protein forms E265K.
Identifiers: ClinVar variation 348248 (VCV000348248.11), dbSNP rs772055424, ClinGen allele CA3156590.